The following is an entry in ClinVar:

ClinVar aggregate classification (germline): Likely benign (1 of 4 stars; one submission).

gnomAD v4.1: 3 of 1,613,286 alleles (0.00019%); highest among the groups gnomAD compares: African/African-American, 0.004%; no homozygotes.

Submission:

CeGaT Center for Human Genetics Tuebingen
Classification: Likely benign. Last evaluated: 2026-01-01. Review status: criteria provided, single submitter. Criteria: CeGaT Center For Human Genetics Tuebingen Variant Classification Criteria Version 2. Collection method: clinical testing. Allele origin: germline. Affected: yes. Observed: 1 variant allele.
Comment: DOCK4: BP4

NM_001363540.2(DOCK4):c.5681C>G (p.Pro1894Arg)

Gene: DOCK4 (dedicator of cytokinesis 4; minus strand). Cytogenetic location: 7q31.1.
Variant type: single nucleotide variant.
Coding change: c.5681C>G on transcript NM_001363540.2 (MANE Select); coding-DNA position 5681, C replaced by G.
Protein change: p.Pro1894Arg; replaces proline 1894 with arginine.
Molecular consequence: missense variant.
Genome position (GRCh38, 1-based): chr7:111,728,521, G>C on the plus strand (C>G on the coding strand, the complement: DOCK4 is on the minus strand). VCF-style: chr7-111728521-G-C. GRCh37 (hg19) VCF-style: chr7-111368577-G-C.
Other names: c.5654C>G, p.Pro1885Arg (NM_014705.4); short protein forms P1885R, P1894R.
Identifiers: ClinVar variation 4822238 (VCV004822238.4).